The following is an entry in ClinVar:

NM_001458.5(FLNC):c.2884C>T (p.Pro962Ser)

Gene: FLNC (filamin C; plus strand). Cytogenetic location: 7q32.1.
Variant type: single nucleotide variant.
Coding change: c.2884C>T on transcript NM_001458.5 (MANE Select); coding-DNA position 2884, C replaced by T.
Protein change: p.Pro962Ser; replaces proline 962 with serine.
Molecular consequence: missense variant.
Genome position (GRCh38, 1-based): chr7:128,843,868, C>T. VCF-style: chr7-128843868-C-T. GRCh37 (hg19) VCF-style: chr7-128483922-C-T.
Other names: c.2884C>T, p.Pro962Ser (NM_001127487.2); short protein forms P962S.
Identifiers: ClinVar variation 2954489 (VCV002954489.3), dbSNP rs765301554, ClinGen allele CA4474890.

ClinVar aggregate classification (germline): Uncertain significance (1 of 4 stars; one submission).

Conditions:
Hypertrophic cardiomyopathy 26. Also called: Cardiomyopathy, familial hypertrophic, 26. Identifiers: Orphanet 75249, MedGen C4310749, MONDO:0014883, OMIM 617047.
Myofibrillar myopathy 5. Also called: Filaminopathy (type); FILAMINOPATHY, AUTOSOMAL DOMINANT. Identifiers: Orphanet 171445, MedGen C1836050, MONDO:0012289, OMIM 609524.
Distal myopathy with posterior leg and anterior hand involvement. Also called: WILLIAMS DISTAL MYOPATHY. Identifiers: Orphanet 63273, MedGen C3279722, MONDO:0013550, OMIM 614065.

Allele frequency attached by ClinVar (database versions not stated): ExAC 0.00001.
gnomAD v4.1: 1 of 1,614,012 alleles (0.000062%); highest among the groups gnomAD compares: East Asian, 0.0022%; no homozygotes.

Submission:

Labcorp Genetics (formerly Invitae), Labcorp
Classification: Uncertain significance for Distal myopathy with posterior leg and anterior hand involvement; Myofibrillar myopathy 5; Hypertrophic cardiomyopathy 26. Last evaluated: 2024-02-14. Review status: criteria provided, single submitter. Criteria: Invitae Variant Classification Sherloc (09022015). Collection method: clinical testing. Allele origin: germline.
Comment: This sequence change replaces proline, which is neutral and non-polar, with serine, which is neutral and polar, at codon 962 of the FLNC protein (p.Pro962Ser). This variant is present in population databases (rs765301554, gnomAD 0.0009%). This variant has not been reported in the literature in individuals affected with FLNC-related conditions. Advanced modeling of protein sequence and biophysical properties (such as structural, functional, and spatial information, amino acid conservation, physicochemical variation, residue mobility, and thermodynamic stability) has been performed at Invitae for this missense variant, however the output from this modeling did not meet the statistical confidence thresholds required to predict the impact of this variant on FLNC protein function. In summary, the available evidence is currently insufficient to determine the role of this variant in disease. Therefore, it has been classified as a Variant of Uncertain Significance.